The following is an entry in ClinVar:

ClinVar aggregate classification (germline): Uncertain significance (1 of 4 stars; one submission).

gnomAD v4.1: 4 of 1,613,990 alleles (0.00025%); highest among the groups gnomAD compares: Non-Finnish European, 0.00034%; no homozygotes.

Submission:

Labcorp Genetics (formerly Invitae), Labcorp
Classification: Uncertain significance. Last evaluated: 2024-12-24. Review status: criteria provided, single submitter. Criteria: Invitae Variant Classification Sherloc (09022015). Collection method: clinical testing. Allele origin: germline.
Comment: This sequence change replaces isoleucine, which is neutral and non-polar, with valine, which is neutral and non-polar, at codon 173 of the JAK1 protein (p.Ile173Val). This variant is not present in population databases (gnomAD no frequency). This variant has not been reported in the literature in individuals affected with JAK1-related conditions. Invitae Evidence Modeling of protein sequence and biophysical properties (such as structural, functional, and spatial information, amino acid conservation, physicochemical variation, residue mobility, and thermodynamic stability) indicates that this missense variant is not expected to disrupt JAK1 protein function with a negative predictive value of 80%. In summary, the available evidence is currently insufficient to determine the role of this variant in disease. Therefore, it has been classified as a Variant of Uncertain Significance.

NM_002227.4(JAK1):c.517A>G (p.Ile173Val)

Gene: JAK1 (Janus kinase 1; minus strand). Cytogenetic location: 1p31.3.
Variant type: single nucleotide variant.
Coding change: c.517A>G on transcript NM_002227.4 (MANE Select); coding-DNA position 517, A replaced by G.
Protein change: p.Ile173Val; replaces isoleucine 173 with valine.
Molecular consequence: missense variant.
Genome position (GRCh38, 1-based): chr1:64,869,441, T>C on the plus strand (A>G on the coding strand, the complement: JAK1 is on the minus strand). VCF-style: chr1-64869441-T-C. GRCh37 (hg19) VCF-style: chr1-65335124-T-C.
Other names: c.517A>G, p.Ile173Val (NM_001321857.2, NM_001320923.2, NM_001321852.2 and 4 more transcripts); short protein forms I173V.
Identifiers: ClinVar variation 3719203 (VCV003719203.2).